The following is an entry in ClinVar:

ClinVar aggregate classification (germline): Uncertain significance (1 of 4 stars; one submission).

Allele frequency attached by ClinVar (database versions not stated): gnomAD exomes 0.00001.
gnomAD v4.1: 23 of 1,595,906 alleles (0.0014%); highest among the groups gnomAD compares: South Asian, 0.0068%; no homozygotes.

Submission:

Labcorp Genetics (formerly Invitae), Labcorp
Classification: Uncertain significance. Last evaluated: 2025-07-14. Review status: criteria provided, single submitter. Criteria: Invitae Variant Classification Sherloc (09022015). Collection method: clinical testing. Allele origin: germline.
Comment: This sequence change replaces valine, which is neutral and non-polar, with isoleucine, which is neutral and non-polar, at codon 422 of the SEPT9 protein (p.Val422Ile). The frequency data for this variant in the population databases is considered unreliable, as metrics indicate poor data quality at this position in the gnomAD database. This variant has not been reported in the literature in individuals affected with SEPT9-related conditions. ClinVar contains an entry for this variant (Variation ID: 3007195). Invitae Evidence Modeling of protein sequence and biophysical properties (such as structural, functional, and spatial information, amino acid conservation, physicochemical variation, residue mobility, and thermodynamic stability) indicates that this missense variant is not expected to disrupt SEPT9 protein function with a negative predictive value of 80%. In summary, the available evidence is currently insufficient to determine the role of this variant in disease. Therefore, it has been classified as a Variant of Uncertain Significance.

NM_001113491.2(SEPTIN9):c.1318G>A (p.Val440Ile)

Gene: SEPTIN9 (septin 9; plus strand). Cytogenetic location: 17q25.3.
Variant type: single nucleotide variant.
Coding change: c.1318G>A on transcript NM_001113491.2 (MANE Select); coding-DNA position 1318, G replaced by A.
Protein change: p.Val440Ile; replaces valine 440 with isoleucine.
Molecular consequence: missense variant.
Genome position (GRCh38, 1-based): chr17:77,490,797, G>A. VCF-style: chr17-77490797-G-A. GRCh37 (hg19) VCF-style: chr17-75486879-G-A.
Other names: c.826G>A, p.Val276Ile (NM_001113492.2, NM_001113494.1); c.1297G>A, p.Val433Ile (NM_001113493.2); c.565G>A, p.Val189Ile (NM_001113495.2, NM_001113496.2, NM_001293697.2 and 1 more transcripts); c.1261G>A, p.Val421Ile (NM_001293695.2); c.646G>A, p.Val216Ile (NM_001293696.2); c.1264G>A, p.Val422Ile (NM_006640.5); short protein forms V276I, V433I, V189I, V216I, V421I, V422I, V440I.
Identifiers: ClinVar variation 3007195 (VCV003007195.3), dbSNP rs868065596, ClinGen allele CA294295752.